The following is an entry in ClinVar:

ClinVar aggregate classification (germline): Likely benign. Review status: criteria provided, multiple submitters, no conflicts (2 of 4 stars). 2 submissions from 2 submitters: Likely benign (2). Last evaluated 2022-09-27.

Conditions:
Early-infantile DEE. Also called: Early infantile epileptic encephalopathy; Ohtahara syndrome; Early infantile epileptic encephalopathy with suppression bursts. Identifiers: Orphanet 1934, MedGen C0393706, MONDO:0800491.

Allele frequency attached by ClinVar (database versions not stated): gnomAD exomes below 0.00001; TOPMed below 0.00001; gnomAD 0.00001.
gnomAD v4.1: 7 of 1,613,766 alleles (0.00043%); highest among the groups gnomAD compares: Non-Finnish European, 0.00051%; no homozygotes.

Submissions (2):

Labcorp Genetics (formerly Invitae), Labcorp
Classification: Likely benign for Early-infantile DEE. Last evaluated: 2022-09-27. Review status: criteria provided, single submitter. Criteria: Invitae Variant Classification Sherloc (09022015). Collection method: clinical testing. Allele origin: germline.

CeGaT Center for Human Genetics Tuebingen
Classification: Likely benign. Last evaluated: 2022-07-01. Review status: criteria provided, single submitter. Criteria: CeGaT Center For Human Genetics Tuebingen Variant Classification Criteria Version 2. Collection method: clinical testing. Allele origin: germline. Affected: yes. Observed: 1 variant allele.
Comment: SCN8A: BP4, BP7

NM_001330260.2(SCN8A):c.2301A>G (p.Thr767=)

Gene: SCN8A (sodium voltage-gated channel alpha subunit 8; plus strand). Cytogenetic location: 12q13.13.
Variant type: single nucleotide variant.
Coding change: c.2301A>G on transcript NM_001330260.2 (MANE Select); coding-DNA position 2301, A replaced by G.
Protein change: p.Thr767=; no amino-acid change (threonine 767 retained).
Molecular consequence: synonymous variant.
Genome position (GRCh38, 1-based): chr12:51,751,524, A>G. VCF-style: chr12-51751524-A-G. GRCh37 (hg19) VCF-style: chr12-52145308-A-G.
Other names: c.2301A>G, p.Thr767= (NM_001177984.3, NM_001369788.1, NM_014191.4).
Identifiers: ClinVar variation 2420923 (VCV002420923.28), dbSNP rs1420981704, ClinGen allele CA480061161.